The following is an entry in ClinVar:

ClinVar aggregate classification (germline): Conflicting classifications of pathogenicity. Review status: criteria provided, conflicting classifications (1 of 4 stars). 7 submissions from 7 submitters: Uncertain significance (1); Benign (3); Likely benign (3). Last evaluated 2026-02-04.

Conditions:
Donnai-Barrow syndrome. Also called: DBS/FOAR SYNDROME; FACIOOCULOACOUSTICORENAL SYNDROME. Identifiers: Orphanet 2143, MedGen C1857277, MONDO:0009104, OMIM 222448.

Allele frequency attached by ClinVar (database versions not stated): ESP Exome Variant Server 0.00577; gnomAD 0.00611 and 0.00731; TOPMed 0.00658; gnomAD exomes 0.01135; 1000 Genomes Project 0.01178; 1000 Genomes Project 30x 0.01249.
gnomAD v4.1: 15,313 of 1,613,810 alleles (0.95%); highest among the groups gnomAD compares: Middle Eastern, 5.7%; 198 homozygotes.

Submissions (7):

Labcorp Genetics (formerly Invitae), Labcorp
Classification: Benign. Last evaluated: 2026-02-04. Review status: criteria provided, single submitter. Criteria: Invitae Variant Classification Sherloc (09022015). Collection method: clinical testing. Allele origin: germline.

Mayo Clinic Laboratories, Mayo Clinic
Classification: Benign. Last evaluated: 2025-09-06. Review status: criteria provided, single submitter. Criteria: ACMG Guidelines, 2015. Collection method: clinical testing. Allele origin: germline. Observed: 1 variant allele.
Comment: BS1, BS2, BP4, BP7

Genomic Medicine Center of Excellence, King Faisal Specialist Hospital and Research Centre
Classification: Likely benign for Donnai-Barrow syndrome. Last evaluated: 2025-07-30. Review status: criteria provided, single submitter. Criteria: ACMG Guidelines, 2015. Collection method: clinical testing. Allele origin: germline.

Genome-Nilou Lab
Classification: Likely benign for Donnai-Barrow syndrome. Last evaluated: 2021-07-15. Review status: criteria provided, single submitter. Criteria: ACMG Guidelines, 2015. Collection method: clinical testing. Allele origin: germline. Affected: no.

Illumina Laboratory Services, Illumina
Classification: Benign for Donnai-Barrow syndrome. Last evaluated: 2018-01-13. Review status: criteria provided, single submitter. Criteria: ICSL Variant Classification Criteria 13 December 2019. Collection method: clinical testing. Allele origin: germline.
Comment: This variant was observed in the ICSL laboratory as part of a predisposition screen in an ostensibly healthy population. It had not been previously curated by ICSL or reported in the Human Gene Mutation Database (HGMD: prior to June 1st, 2018), and was therefore a candidate for classification through an automated scoring system. Utilizing variant allele frequency, disease prevalence and penetrance estimates, and inheritance mode, an automated score was calculated to assess if this variant is too frequent to cause the disease. Based on the score and internal cut-off values, a variant classified as benign is not then subjected to further curation. The score for this variant resulted in a classification of benign for this disease.

Genetic Services Laboratory, University of Chicago
Classification: Uncertain significance. Last evaluated: 2014-03-18. Review status: criteria provided, single submitter. Criteria: ACMG Guidelines, 2007. Collection method: clinical testing. Allele origin: germline. Inheritance: Autosomal recessive inheritance.

PreventionGenetics, part of Exact Sciences
Classification: Likely benign. Review status: criteria provided, single submitter. Criteria: ACMG Guidelines, 2015. Collection method: clinical testing. Allele origin: germline.

NM_004525.3(LRP2):c.923-6G>A

Gene: LRP2 (LDL receptor related protein 2; minus strand). Cytogenetic location: 2q31.1.
Variant type: single nucleotide variant.
Coding change: c.923-6G>A on transcript NM_004525.3 (MANE Select); 6 bases into the intron before coding-DNA position 923, G replaced by A.
Molecular consequence: intron variant.
Genome position (GRCh38, 1-based): chr2:169,289,151, C>T on the plus strand (G>A on the coding strand, the complement: LRP2 is on the minus strand). VCF-style: chr2-169289151-C-T. GRCh37 (hg19) VCF-style: chr2-170145661-C-T.
Other names: p.?.
Identifiers: ClinVar variation 129545 (VCV000129545.22), dbSNP rs144147038, ClinGen allele CA231263.